The following is an entry in ClinVar:

NM_178857.6(RP1L1):c.3981A>G (p.Thr1327=)

Gene: RP1L1 (RP1 like 1). Cytogenetic location: 8p23.1.
Variant type: single nucleotide variant.
Coding change: c.3981A>G on transcript NM_178857.6 (MANE Select); coding-DNA position 3981, A replaced by G.
Protein change: p.Thr1327=; no amino-acid change (threonine 1327 retained).
Molecular consequence: synonymous variant.
Genome position (GRCh38, 1-based): chr8:10,610,117, T>C on the plus strand (A>G on the coding strand, the complement: RP1L1 is on the minus strand). VCF-style: chr8-10610117-T-C. GRCh37 (hg19) VCF-style: chr8-10467627-T-C.
Identifiers: ClinVar variation 908412 (VCV000908412.10), dbSNP rs112656102, ClinGen allele CA4624256.

ClinVar aggregate classification (germline): Benign/Likely benign. Review status: criteria provided, multiple submitters, no conflicts (2 of 4 stars). 6 submissions from 6 submitters: Benign (2); Likely benign (2). 2 of the submissions do not count toward it. Last evaluated 2025-02-16.

Conditions:
Occult macular dystrophy (OCMD). Also called: OCCULT MACULAR DYSTROPHY, SUSCEPTIBILITY TO; OMD. Identifiers: Orphanet 247834, MedGen C3150833, MONDO:0013316, OMIM 613587, HP:0030636.

Allele frequency attached by ClinVar (database versions not stated): ExAC 0.04265; gnomAD 0.08193 and 0.08198.
gnomAD v4.1: 68,522 of 1,408,424 alleles (4.9%); highest among the groups gnomAD compares: East Asian, 16%; 7,439 homozygotes.

Submissions (6):

Laboratory of Genetics, Children's Clinical University Hospital Latvia
Classification: Likely benign. Last evaluated: 2025-02-16. Review status: criteria provided, single submitter. Criteria: ACMG Guidelines, 2015. Collection method: clinical testing. Allele origin: germline. Affected: yes.

Blueprint Genetics
Classification: Likely benign. Last evaluated: 2024-11-27. Review status: criteria provided, single submitter. Criteria: ACMG Guidelines, 2015. Collection method: clinical testing. Allele origin: germline.

Illumina Laboratory Services, Illumina
Classification: Benign for Occult macular dystrophy. Last evaluated: 2018-01-12. Review status: criteria provided, single submitter. Criteria: ICSL Variant Classification Criteria 13 December 2019. Collection method: clinical testing. Allele origin: germline.
Comment: This variant was observed in the ICSL laboratory as part of a predisposition screen in an ostensibly healthy population. It had not been previously curated by ICSL or reported in the Human Gene Mutation Database (HGMD: prior to June 1st, 2018), and was therefore a candidate for classification through an automated scoring system. Utilizing variant allele frequency, disease prevalence and penetrance estimates, and inheritance mode, an automated score was calculated to assess if this variant is too frequent to cause the disease. Based on the score and internal cut-off values, a variant classified as benign is not then subjected to further curation. The score for this variant resulted in a classification of benign for this disease.

Breakthrough Genomics
Classification: Benign. Review status: criteria provided, single submitter. Criteria: ACMG Guidelines, 2015. Collection method: not provided. Allele origin: germline. Inheritance: Autosomal recessive inheritance. Affected: yes.

Clinical Genetics DNA and cytogenetics Diagnostics Lab, Erasmus MC, Erasmus Medical Center
Classification: Likely benign. Review status: no assertion criteria provided. Collection method: clinical testing. Allele origin: germline. Affected: yes. Study: VKGL Data-share Consensus. Not counted in ClinVar's aggregate classification.

Clinical Genetics, Academic Medical Center
Classification: Benign. Review status: no assertion criteria provided. Collection method: clinical testing. Allele origin: germline. Affected: yes. Study: VKGL Data-share Consensus. Not counted in ClinVar's aggregate classification.